The following is an entry in ClinVar:

NM_001183.6(ATP6AP1):c.352T>C (p.Ser118Pro)

Gene: ATP6AP1 (ATPase H+ transporting accessory protein 1; plus strand). Cytogenetic location: Xq28.
Variant type: single nucleotide variant.
Coding change: c.352T>C on transcript NM_001183.6 (MANE Select); coding-DNA position 352, T replaced by C.
Protein change: p.Ser118Pro; replaces serine 118 with proline.
Molecular consequence: missense variant.
Genome position (GRCh38, 1-based): chrX:154,431,893, T>C. VCF-style: chrX-154431893-T-C. GRCh37 (hg19) VCF-style: chrX-153660239-T-C.
Other names: short protein forms S118P.
Identifiers: ClinVar variation 2113879 (VCV002113879.4), dbSNP rs2523016856, ClinGen allele CA415189102.

ClinVar aggregate classification (germline): Uncertain significance (1 of 4 stars; one submission).

Submission:

Labcorp Genetics (formerly Invitae), Labcorp
Classification: Uncertain significance. Last evaluated: 2023-05-18. Review status: criteria provided, single submitter. Criteria: Invitae Variant Classification Sherloc (09022015). Collection method: clinical testing. Allele origin: germline.
Comment: In summary, the available evidence is currently insufficient to determine the role of this variant in disease. Therefore, it has been classified as a Variant of Uncertain Significance. Advanced modeling of protein sequence and biophysical properties (such as structural, functional, and spatial information, amino acid conservation, physicochemical variation, residue mobility, and thermodynamic stability) performed at Invitae indicates that this missense variant is not expected to disrupt ATP6AP1 protein function. ClinVar contains an entry for this variant (Variation ID: 2113879). This variant has not been reported in the literature in individuals affected with ATP6AP1-related conditions. This variant is not present in population databases (gnomAD no frequency). This sequence change replaces serine, which is neutral and polar, with proline, which is neutral and non-polar, at codon 118 of the ATP6AP1 protein (p.Ser118Pro).